The following is an entry in ClinVar:

ClinVar aggregate classification (germline): Uncertain significance (1 of 4 stars; one submission).

Submission:

GeneDx
Classification: Uncertain significance. Last evaluated: 2025-08-01. Review status: criteria provided, single submitter. Criteria: GeneDx Variant Classification Process June 2021. Collection method: clinical testing. Allele origin: germline. Affected: yes.
Comment: Not observed at significant frequency in large population cohorts (gnomAD); In silico analysis suggests that this missense variant does not alter protein structure/function; Has not been previously published as pathogenic or benign to our knowledge

NM_001098511.3(KIF2A):c.2173G>A (p.Ala725Thr)

Gene: KIF2A (kinesin family member 2A; plus strand). Cytogenetic location: 5q12.1.
Variant type: single nucleotide variant.
Coding change: c.2173G>A on transcript NM_001098511.3 (MANE Select); coding-DNA position 2173, G replaced by A.
Protein change: p.Ala725Thr; replaces alanine 725 with threonine.
Molecular consequence: missense variant.
Genome position (GRCh38, 1-based): chr5:62,385,507, G>A. VCF-style: chr5-62385507-G-A. GRCh37 (hg19) VCF-style: chr5-61681334-G-A.
Other names: c.1978G>A, p.Ala660Thr (NM_001243952.2); c.2002G>A, p.Ala668Thr (NM_001243953.2); c.2059G>A, p.Ala687Thr (NM_004520.5); short protein forms A660T, A668T, A687T, A725T.
Identifiers: ClinVar variation 4690182 (VCV004690182.1).